The following is an entry in ClinVar:

NM_001080453.3(INTS1):c.5572C>T (p.Arg1858Ter)

Gene: INTS1 (integrator complex subunit 1; minus strand). Cytogenetic location: 7p22.3.
Variant type: single nucleotide variant.
Coding change: c.5572C>T on transcript NM_001080453.3 (MANE Select); coding-DNA position 5572, C replaced by T.
Protein change: p.Arg1858Ter; replaces arginine 1858 with a stop codon.
Molecular consequence: nonsense.
Genome position (GRCh38, 1-based): chr7:1,474,769, G>A on the plus strand (C>T on the coding strand, the complement: INTS1 is on the minus strand). VCF-style: chr7-1474769-G-A. GRCh37 (hg19) VCF-style: chr7-1514405-G-A.
Other names: short protein forms R1858*.
Identifiers: ClinVar variation 1699498 (VCV001699498.5), dbSNP rs2128532901, ClinGen allele CA366581469.

ClinVar aggregate classification (germline): Pathogenic/Likely pathogenic. Review status: criteria provided, multiple submitters, no conflicts (2 of 4 stars). 2 submissions from 2 submitters: Pathogenic (1); Likely pathogenic (1). Last evaluated 2022-02-02.

Conditions:
Neurodevelopmental disorder with cataracts, poor growth, and dysmorphic facies. Identifiers: MedGen C5231414, MONDO:0032817, OMIM 618571.

gnomAD v4.1: 3 of 1,574,736 alleles (0.00019%); highest among the groups gnomAD compares: Non-Finnish European, 0.00026%; no homozygotes.

Submissions (2):

Victorian Clinical Genetics Services, Murdoch Childrens Research Institute
Classification: Pathogenic for Neurodevelopmental disorder with cataracts, poor growth, and dysmorphic facies. Last evaluated: 2022-02-02. Review status: criteria provided, single submitter. Criteria: ACMG Guidelines, 2015. Collection method: clinical testing. Allele origin: germline. Inheritance: Autosomal recessive inheritance. Affected: yes.
Comment: Based on the classification scheme VCGS_Germline_v1.3.4, this variant is classified as Pathogenic. Following criteria are met: 0102 - Loss of function is a known mechanism of disease in this gene and is associated with neurodevelopmental disorder with cataracts, poor growth, and dysmorphic facies (MIM#618571). (I) 0106 - This gene is associated with autosomal recessive disease. (I) 0201 - Variant is predicted to cause nonsense-mediated decay (NMD) and loss of protein (premature termination codon is located at least 54 nucleotides upstream of the final exon-exon junction). (SP) 0251 - This variant is heterozygous. (I) 0301 - Variant is absent from gnomAD (both v2 and v3). (SP) 0701 - Other NMD predicted variants comparable to the one identified in this case have very strong previous evidence for pathogenicity (ClinVar, LOVD, PMID: 30622326, 31428919). (SP) 0807 - This variant has no previous evidence of pathogenicity. (I) 0905 - No published segregation evidence has been identified for this variant. (I) 1007 - No published functional evidence has been identified for this variant. (I) Legend: (SP) - Supporting pathogenic, (I) - Information, (SB) - Supporting benign

Juno Genomics, Hangzhou Juno Genomics, Inc
Classification: Likely pathogenic for Neurodevelopmental disorder with cataracts, poor growth, and dysmorphic facies. Review status: criteria provided, single submitter. Criteria: ACMG Guidelines, 2015. Collection method: clinical testing. Allele origin: germline.
Comment: Absent from controls (or at extremely low frequency if recessive) in Genome Aggregation Database.;Null variant in a gene where loss of function (LOF) is a known mechanism of disease.

Literature cited by the submitters: PubMed 30622326 (cited by Victorian Clinical Genetics Services, Murdoch Childrens Research Institute); PubMed 31428919 (cited by Victorian Clinical Genetics Services, Murdoch Childrens Research Institute).